The following is an entry in ClinVar:

NM_178000.3(PTPA):c.21G>A (p.Gln7=)

Gene: PTPA (protein phosphatase 2 phosphatase activator; plus strand). Cytogenetic location: 9q34.11.
Variant type: single nucleotide variant.
Coding change: c.21G>A on transcript NM_178000.3 (MANE Select); coding-DNA position 21, G replaced by A.
Protein change: p.Gln7=; no amino-acid change (glutamine 7 retained).
Molecular consequence: synonymous variant.
Genome position (GRCh38, 1-based): chr9:129,111,621, G>A. VCF-style: chr9-129111621-G-A. GRCh37 (hg19) VCF-style: chr9-131873900-G-A.
Other names: c.21G>A, p.Gln7= (NM_001271832.2, NM_021131.5, NM_178001.3 and 1 more transcripts).
Identifiers: ClinVar variation 5040865 (VCV005040865.1).

ClinVar aggregate classification (germline): Likely benign (1 of 4 stars; one submission).

gnomAD v4.1: 87 of 1,276,128 alleles (0.0068%); highest among the groups gnomAD compares: Non-Finnish European, 0.0084%; no homozygotes.

Submission:

CeGaT Center for Human Genetics Tuebingen
Classification: Likely benign. Last evaluated: 2026-09-01. Review status: criteria provided, single submitter. Criteria: CeGaT Center For Human Genetics Tuebingen Variant Classification Criteria Version 2. Collection method: clinical testing. Allele origin: germline. Affected: yes. Observed: 1 variant allele.
Comment: PTPA: BP4, BP7